The following is an entry in ClinVar:

NM_000397.4(CYBB):c.542T>C (p.Val181Ala)

Gene: CYBB (cytochrome b-245 beta chain; plus strand). Cytogenetic location: Xp21.1.
Variant type: single nucleotide variant.
Coding change: c.542T>C on transcript NM_000397.4 (MANE Select); coding-DNA position 542, T replaced by C.
Protein change: p.Val181Ala; replaces valine 181 with alanine.
Molecular consequence: missense variant.
Genome position (GRCh38, 1-based): chrX:37,796,009, T>C. VCF-style: chrX-37796009-T-C. GRCh37 (hg19) VCF-style: chrX-37655262-T-C.
Other names: short protein forms V181A.
Identifiers: ClinVar variation 962396 (VCV000962396.12), dbSNP rs1929299081, ClinGen allele CA412975960.

ClinVar aggregate classification (germline): Uncertain significance. Review status: criteria provided, multiple submitters, no conflicts (2 of 4 stars). 3 submissions from 3 submitters: Uncertain significance (2). 1 of the submissions does not count toward it. Last evaluated 2025-12-15.

Conditions:
Inborn genetic diseases. Identifiers: MedGen C0950123, MeSH D030342.
Chronic granulomatous disease. Identifiers: Orphanet 379, MedGen C0018203, MONDO:0018305.
Granulomatous disease, chronic, X-linked. Also called: CYTOCHROME b-NEGATIVE GRANULOMATOUS DISEASE, CHRONIC, X-LINKED; GRANULOMATOUS DISEASE, CHRONIC, X-LINKED, SOMATIC MOSAIC. Identifiers: Orphanet 379, MedGen C1844376, MONDO:0010600, OMIM 306400.

Allele frequency attached by ClinVar (database versions not stated): gnomAD 0.00001.
gnomAD v4.1: 1 of 1,206,977 alleles (0.000083%); highest among the groups gnomAD compares: Non-Finnish European, 0.00011%; no homozygotes.

Submissions (3):

Ambry Genetics
Classification: Uncertain significance for Inborn genetic diseases. Last evaluated: 2025-12-15. Review status: criteria provided, single submitter. Criteria: Ambry Variant Classification Scheme 2023. Collection method: clinical testing. Allele origin: germline.

Labcorp Genetics (formerly Invitae), Labcorp
Classification: Uncertain significance for Granulomatous disease, chronic, X-linked. Last evaluated: 2019-08-22. Review status: criteria provided, single submitter. Criteria: Invitae Variant Classification Sherloc (09022015). Collection method: clinical testing. Allele origin: germline.
Comment: This sequence change replaces valine with alanine at codon 181 of the CYBB protein (p.Val181Ala). The valine residue is highly conserved and there is a small physicochemical difference between valine and alanine. This variant is not present in population databases (ExAC no frequency). In summary, the available evidence is currently insufficient to determine the role of this variant in disease. Therefore, it has been classified as a Variant of Uncertain Significance. Algorithms developed to predict the effect of missense changes on protein structure and function (SIFT, PolyPhen-2, Align-GVGD) all suggest that this variant is likely to be tolerated, but these predictions have not been confirmed by published functional studies and their clinical significance is uncertain. This variant has not been reported in the literature in individuals with CYBB-related conditions.

Natera, Inc.
Classification: Uncertain significance for Chronic granulomatous disease. Last evaluated: 2021-01-14. Review status: no assertion criteria provided. Collection method: clinical testing. Allele origin: germline. Not counted in ClinVar's aggregate classification.